The following is an entry in ClinVar:

ClinVar aggregate classification (germline): Conflicting classifications of pathogenicity. Review status: criteria provided, conflicting classifications (1 of 4 stars). 6 submissions from 6 submitters: Uncertain significance (5); Likely benign (1). Last evaluated 2025-10-27.

Conditions:
Cardiovascular phenotype. Identifiers: MedGen CN230736.
Familial hypercholesterolemia. Also called: Familial hypercholesterolemias; Familial hypercholesterolaemia. Identifiers: MedGen C0020445, MONDO:0005439.
Hypercholesterolemia, autosomal dominant, 3 (FHCL3). Also called: Familial hypercholesterolemia 3; Familial Hypercholesterolemia, Autosomal Dominant, 3; PCSK9-Related Familial Hypercholesterolemia, Autosomal Dominant. Identifiers: MedGen C1863551, MONDO:0011369, OMIM 603776.

Allele frequency attached by ClinVar (database versions not stated): TOPMed 0.00002; gnomAD 0.00003.
gnomAD v4.1: 12 of 1,614,082 alleles (0.00074%); highest among the groups gnomAD compares: Middle Eastern, 0.016%; no homozygotes.

Submissions (6):

Labcorp Genetics (formerly Invitae), Labcorp
Classification: Uncertain significance for Hypercholesterolemia, autosomal dominant, 3. Last evaluated: 2025-10-27. Review status: criteria provided, single submitter. Criteria: Invitae Variant Classification Sherloc (09022015). Collection method: clinical testing. Allele origin: germline.
Comment: This sequence change replaces serine, which is neutral and polar, with leucine, which is neutral and non-polar, at codon 89 of the PCSK9 protein (p.Ser89Leu). This variant is present in population databases (rs771978846, gnomAD 0.003%). This variant has not been reported in the literature in individuals affected with PCSK9-related conditions. ClinVar contains an entry for this variant (Variation ID: 375842). Invitae Evidence Modeling of protein sequence and biophysical properties (such as structural, functional, and spatial information, amino acid conservation, physicochemical variation, residue mobility, and thermodynamic stability) indicates that this missense variant is not expected to disrupt PCSK9 protein function with a negative predictive value of 80%. In summary, the available evidence is currently insufficient to determine the role of this variant in disease. Therefore, it has been classified as a Variant of Uncertain Significance.

Color Diagnostics, LLC DBA Color Health
Classification: Likely benign for Familial hypercholesterolemia. Last evaluated: 2025-09-11. Review status: criteria provided, single submitter. Criteria: ACMG Guidelines, 2015. Collection method: clinical testing. Allele origin: germline.

Ambry Genetics
Classification: Uncertain significance for Cardiovascular phenotype. Last evaluated: 2024-02-09. Review status: criteria provided, single submitter. Criteria: Ambry Variant Classification Scheme 2023. Collection method: clinical testing. Allele origin: germline.
Comment: The p.S89L variant (also known as c.266C>T), located in coding exon 2 of the PCSK9 gene, results from a C to T substitution at nucleotide position 266. The serine at codon 89 is replaced by leucine, an amino acid with dissimilar properties. This amino acid position is conserved. In addition, this alteration is predicted to be tolerated by in silico analysis. Based on the available evidence, the clinical significance of this alteration remains unclear.

All of Us Research Program, National Institutes of Health
Classification: Uncertain significance for Hypercholesterolemia, autosomal dominant, 3. Last evaluated: 2023-04-03. Review status: criteria provided, single submitter. Criteria: ACMG Guidelines, 2015. Collection method: clinical testing. Allele origin: germline. Inheritance: Autosomal dominant inheritance. Observed: 1 variant allele, 1 heterozygote.
Comment: This missense variant replaces serine with leucine at codon 89 of the PCSK9 protein. Computational prediction suggests that this variant may not impact protein structure and function (internally defined REVEL score threshold <= 0.5, PMID: 27666373). To our knowledge, functional studies have not been reported for this variant. This variant has been reported in an individual affected with familial hypercholesterolemia (communication with an external laboratory; SCV000503502.1). This variant has been identified in 2/282556 chromosomes in the general population by the Genome Aggregation Database (gnomAD). The available evidence is insufficient to determine the role of this variant in disease conclusively. Therefore, this variant is classified as a Variant of Uncertain Significance.

This study involves interpretation of variants in research participants for the purpose of population health screening. Participant phenotype was not available at the time of variant classification. Additional details can be found in publication PMID: 35346344, PMCID: PMC8962531

Fulgent Genetics
Classification: Uncertain significance for Hypercholesterolemia, autosomal dominant, 3. Last evaluated: 2021-07-20. Review status: criteria provided, single submitter. Criteria: ACMG Guidelines, 2015. Collection method: clinical testing. Allele origin: unknown.

Centre de Génétique Moléculaire et Chromosomique, Unité de génétique de l'Obésité et des Dyslipidémies, APHP, GH Hôpitaux Universitaires Pitié-Salpêtrière / Charles-Foix
Classification: Uncertain significance for Hypercholesterolemia, autosomal dominant, 3. Last evaluated: 2016-12-16. Review status: criteria provided, single submitter. Criteria: ACMG Guidelines, 2015. Collection method: clinical testing. Allele origin: germline. Affected: yes.

NM_174936.4(PCSK9):c.266C>T (p.Ser89Leu)

Gene: PCSK9 (proprotein convertase subtilisin/kexin type 9; plus strand). Cytogenetic location: 1p32.3.
Variant type: single nucleotide variant.
Coding change: c.266C>T on transcript NM_174936.4 (MANE Select); coding-DNA position 266, C replaced by T.
Protein change: p.Ser89Leu; replaces serine 89 with leucine.
Molecular consequence: missense variant.
Genome position (GRCh38, 1-based): chr1:55,043,901, C>T. VCF-style: chr1-55043901-C-T. GRCh37 (hg19) VCF-style: chr1-55509574-C-T.
Other names: short protein forms S89L.
Identifiers: ClinVar variation 375842 (VCV000375842.10), dbSNP rs771978846, ClinGen allele CA041054.